The following is an entry in ClinVar:

ClinVar aggregate classification (germline): Uncertain significance (1 of 4 stars; one submission).

Conditions:
Inborn genetic diseases. Identifiers: MedGen C0950123, MeSH D030342.

Allele frequency attached by ClinVar (database versions not stated): gnomAD exomes 0.00001; TOPMed 0.00002; ExAC 0.00003.
gnomAD v4.1: 15 of 1,614,062 alleles (0.00093%); highest among the groups gnomAD compares: Admixed American, 0.0033%; no homozygotes.

Submission:

Ambry Genetics
Classification: Uncertain significance for Inborn genetic diseases. Last evaluated: 2024-05-22. Review status: criteria provided, single submitter. Criteria: Ambry Variant Classification Scheme 2023. Collection method: clinical testing. Allele origin: germline.
Comment: The c.2048C>T (p.S683L) alteration is located in exon 8 (coding exon 8) of the KDM3B gene. This alteration results from a C to T substitution at nucleotide position 2048, causing the serine (S) at amino acid position 683 to be replaced by a leucine (L). The p.S683L alteration is predicted to be tolerated by in silico analysis. Based on insufficient or conflicting evidence, the clinical significance of this alteration remains unclear.

NM_016604.4(KDM3B):c.2048C>T (p.Ser683Leu)

Gene: KDM3B (lysine demethylase 3B; plus strand). Cytogenetic location: 5q31.2.
Variant type: single nucleotide variant.
Coding change: c.2048C>T on transcript NM_016604.4 (MANE Select); coding-DNA position 2048, C replaced by T.
Protein change: p.Ser683Leu; replaces serine 683 with leucine.
Molecular consequence: missense variant.
Genome position (GRCh38, 1-based): chr5:138,391,680, C>T. VCF-style: chr5-138391680-C-T. GRCh37 (hg19) VCF-style: chr5-137727369-C-T.
Other names: short protein forms S683L.
Identifiers: ClinVar variation 2208878 (VCV002208878.3), dbSNP rs753534916, ClinGen allele CA3428996.